The following is an entry in ClinVar:

NM_001142503.3(STARD8):c.2429A>G (p.Asn810Ser)

Gene: STARD8 (StAR related lipid transfer domain containing 8; plus strand). Cytogenetic location: Xq13.1.
Variant type: single nucleotide variant.
Coding change: c.2429A>G on transcript NM_001142503.3 (MANE Select); coding-DNA position 2429, A replaced by G.
Protein change: p.Asn810Ser; replaces asparagine 810 with serine.
Molecular consequence: missense variant.
Genome position (GRCh38, 1-based): chrX:68,721,716, A>G. VCF-style: chrX-68721716-A-G. GRCh37 (hg19) VCF-style: chrX-67941558-A-G.
Other names: c.2189A>G, p.Asn730Ser (NM_001142504.3, NM_014725.5); c.2429A>G (NM_001142503.2); short protein forms N730S, N810S.
Identifiers: ClinVar variation 2660792 (VCV002660792.25), dbSNP rs760850357, ClinGen allele CA10437871.
Genomic context (GRCh38, chrX:68,721,716, plus strand): 5'-AAAACCAGATGACAGCAGGCAACCTGGCAGTGTGCCTGGCGCCCTCCATCTTCCACCTCA[A>G]TGTCTCTAAGAAGGATAGCCCCTCTCCCAGGTGAAATGGTGCACGGCATGTCAGGGCCGG-3'
Protein context (NP_001135975.1, residues 800-820): VCLAPSIFHL[Asn810Ser]VSKKDSPSPR

ClinVar aggregate classification (germline): Conflicting classifications of pathogenicity. Review status: criteria provided, conflicting classifications (1 of 4 stars). 2 submissions from 2 submitters: Uncertain significance (1); Likely benign (1). Last evaluated 2023-10-10.

Allele frequency attached by ClinVar (database versions not stated): gnomAD exomes 0.00001; gnomAD 0.00004; ExAC 0.00007; TOPMed 0.00008; 1000 Genomes Project 30x 0.00021; 1000 Genomes Project 0.00026.
gnomAD v4.1: 27 of 1,210,455 alleles (0.0022%); highest among the groups gnomAD compares: East Asian, 0.027%; no homozygotes.

Submissions (2):

Ambry Genetics
Classification: Uncertain significance. Last evaluated: 2023-10-10. Review status: criteria provided, single submitter. Criteria: Ambry Variant Classification Scheme 2023. Collection method: clinical testing. Allele origin: germline.

CeGaT Center for Human Genetics Tuebingen
Classification: Likely benign. Last evaluated: 2023-01-01. Review status: criteria provided, single submitter. Criteria: CeGaT Center For Human Genetics Tuebingen Variant Classification Criteria Version 2. Collection method: clinical testing. Allele origin: germline. Affected: yes. Observed: 1 variant allele.
Comment: STARD8: BS2